The following is an entry in ClinVar:

NM_001164508.2(NEB):c.23650-7T>A

Genes: NEB (nebulin; minus strand), RIF1 (replication timing regulatory factor 1; plus strand). Cytogenetic location: 2q23.3.
Variant type: single nucleotide variant.
Coding change: c.23650-7T>A on transcript NM_001164508.2 (MANE Select); 7 bases into the intron before coding-DNA position 23650, T replaced by A.
Molecular consequence: intron variant.
Genome position (GRCh38, 1-based): chr2:151,505,577, A>T on the plus strand (T>A on the coding strand, the complement: NEB is on the minus strand). VCF-style: chr2-151505577-A-T. GRCh37 (hg19) VCF-style: chr2-152362091-A-T.
Other names: c.18547-7T>A (NM_004543.5); c.23650-7T>A (NM_001164507.2); c.23755-7T>A (NM_001271208.2).
Identifiers: ClinVar variation 3030500 (VCV003030500.2), dbSNP rs771206029, ClinGen allele CA1906287.
Genomic context (GRCh38, chr2:151,505,577, plus strand): 5'-TTCAGGCAGGTCAGGGATTGGAGTTCCTTGTCCTATTGCTTCCTTATACTTCACCTGCAG[A>T]TTTAAAAATGGGAAAAGAAAGGTATTATTACATGCTGGACTGTTATTCTTCCCAACATGT-3'

ClinVar aggregate classification (germline): Likely benign (0 of 4 stars; one submission).

Conditions:
NEB-related disorder. Also called: NEB-Related Disorders; NEB-related condition.

Allele frequency attached by ClinVar (database versions not stated): ExAC 0.00002.
gnomAD v4.1: 5 of 1,607,264 alleles (0.00031%); highest among the groups gnomAD compares: Admixed American, 0.0067%; no homozygotes.

Submission:

PreventionGenetics, part of Exact Sciences
Classification: Likely benign for NEB-related condition. Last evaluated: 2021-02-27. Review status: no assertion criteria provided. Collection method: clinical testing. Allele origin: germline.
Comment: This variant is classified as likely benign based on ACMG/AMP sequence variant interpretation guidelines (Richards et al. 2015 PMID: 25741868, with internal and published modifications).